The following is an entry in ClinVar:

ClinVar aggregate classification (germline): Likely benign (1 of 4 stars; one submission).

gnomAD v4.1: 416 of 1,614,158 alleles (0.026%); highest among the groups gnomAD compares: Non-Finnish European, 0.016%; no homozygotes.

Submission:

CeGaT Center for Human Genetics Tuebingen
Classification: Likely benign. Last evaluated: 2025-08-01. Review status: criteria provided, single submitter. Criteria: CeGaT Center For Human Genetics Tuebingen Variant Classification Criteria Version 2. Collection method: clinical testing. Allele origin: germline. Affected: yes. Observed: 1 variant allele.
Comment: EXOSC5: BP4, BP7

NM_020158.4(EXOSC5):c.475C>T (p.Leu159=)

Gene: EXOSC5 (exosome component 5; minus strand). Cytogenetic location: 19q13.2.
Variant type: single nucleotide variant.
Coding change: c.475C>T on transcript NM_020158.4 (MANE Select); coding-DNA position 475, C replaced by T.
Protein change: p.Leu159=; no amino-acid change (leucine 159 retained).
Molecular consequence: synonymous variant.
Genome position (GRCh38, 1-based): chr19:41,389,815, G>A on the plus strand (C>T on the coding strand, the complement: EXOSC5 is on the minus strand). VCF-style: chr19-41389815-G-A. GRCh37 (hg19) VCF-style: chr19-41895720-G-A.
Identifiers: ClinVar variation 4083839 (VCV004083839.8).